The following is an entry in ClinVar:

ClinVar aggregate classification (germline): Likely pathogenic. Review status: criteria provided, multiple submitters, no conflicts (2 of 4 stars). 2 submissions from 2 submitters: Likely pathogenic (2). Last evaluated 2023-03-01.

Conditions:
PURA-related severe neonatal hypotonia-seizures-encephalopathy syndrome (NEDRIHF). Also called: PURA-Related Neurodevelopmental Disorders; NEURODEVELOPMENTAL DISORDER WITH NEONATAL RESPIRATORY INSUFFICIENCY, HYPOTONIA, AND FEEDING DIFFICULTIES. Identifiers: Orphanet 438213, Orphanet 438216, MedGen C4015357, MONDO:1060108, OMIM 616158, MONDO:0018580.

Submissions (2):

CeGaT Center for Human Genetics Tuebingen
Classification: Likely pathogenic. Last evaluated: 2023-03-01. Review status: criteria provided, single submitter. Criteria: CeGaT Center For Human Genetics Tuebingen Variant Classification Criteria Version 2. Collection method: clinical testing. Allele origin: germline. Affected: yes. Observed: 1 variant allele.
Comment: PURA: PVS1:Strong, PM2, PS2:Moderate

Equipe Genetique des Anomalies du Developpement, Université de Bourgogne
Classification: Likely pathogenic for PURA-related severe neonatal hypotonia-seizures-encephalopathy syndrome. Last evaluated: 2017-06-26. Review status: criteria provided, single submitter. Criteria: ACMG Guidelines, 2015. Collection method: clinical testing. Allele origin: unknown. Affected: yes. Study: Clinvar_gadteam_Clinical_exome_analysis_3.

NM_005859.5(PURA):c.50del (p.Ser17fs)

Gene: PURA (purine rich element binding protein A; plus strand). Cytogenetic location: 5q31.3.
Variant type: Deletion.
Coding change: c.50del on transcript NM_005859.5 (MANE Select); coding-DNA position 50, one base deleted (C; older notation c.50delC).
Protein change: p.Ser17fs; shifts the reading frame from serine 17.
Molecular consequence: frameshift variant.
Genome position (GRCh38, 1-based): chr5:140,114,231, C deleted. VCF-style (leftmost placement, unchanged base first): chr5-140114230-TC-T. GRCh37 (hg19) VCF-style: chr5-139493815-TC-T.
Other names: short protein forms S17fs.
Identifiers: ClinVar variation 559907 (VCV000559907.29), dbSNP rs1554129008, ClinGen allele CA658822042.